The following continues an entry in ClinVar:

NM_000350.3(ABCA4):c.5882G>A (p.Gly1961Glu)

Gene: ABCA4. ClinVar aggregate classification (germline): Pathogenic. Pathogenic (1).

Literature cited by the submitters, continued: PubMed 34874912 (cited by Equipe Genetique des Anomalies du Developpement, Université de Bourgogne); PubMed 10958763 (cited by Centre of Medical Genetics, University Hospital Muenster); PubMed 9054934 (cited by Centre of Medical Genetics, University Hospital Muenster and OMIM); PubMed 9973280 (cited by Centre of Medical Genetics, University Hospital Muenster and OMIM); PubMed 18161617 (cited by Institute of Human Genetics, Univ. Regensburg, Univ. Regensburg); PubMed 22025579 (cited by Institute of Human Genetics, Univ. Regensburg, Univ. Regensburg and Laboratory for Molecular Medicine, Mass General Brigham Personalized Medicine); PubMed 21786275 (cited by Institute of Human Genetics, Univ. Regensburg, Univ. Regensburg); PubMed 22264887 (cited by 3 submitters); PubMed 24265693 (cited by Institute of Human Genetics, Univ. Regensburg, Univ. Regensburg); PubMed 25082885 (cited by Institute of Human Genetics, Univ. Regensburg, Univ. Regensburg and Broad Center for Mendelian Genomics, Broad Institute of MIT and Harvard); PubMed 25640233 (cited by Institute of Human Genetics, Univ. Regensburg, Univ. Regensburg); PubMed 25087612 (cited by Institute of Human Genetics, Univ. Regensburg, Univ. Regensburg); PubMed 25097241 (cited by Institute of Human Genetics, Univ. Regensburg, Univ. Regensburg); PubMed 26593885 (cited by Institute of Human Genetics, Univ. Regensburg, Univ. Regensburg and Division of Human Genetics, Children's Hospital of Philadelphia); PubMed 26247787 (cited by Institute of Human Genetics, Univ. Regensburg, Univ. Regensburg); PubMed 27884173 (cited by Institute of Human Genetics, Univ. Regensburg, Univ. Regensburg); PubMed 27535533 (cited by Institute of Human Genetics, Univ. Regensburg, Univ. Regensburg and OMIM); PubMed 27775217 (cited by Institute of Human Genetics, Univ. Regensburg, Univ. Regensburg); PubMed 28130426 (cited by Institute of Human Genetics, Univ. Regensburg, Univ. Regensburg and Victorian Clinical Genetics Services, Murdoch Childrens Research Institute); PubMed 28157192 (cited by Institute of Human Genetics, Univ. Regensburg, Univ. Regensburg); PubMed 28224992 (cited by Institute of Human Genetics, Univ. Regensburg, Univ. Regensburg); PubMed 28571903 (cited by Institute of Human Genetics, Univ. Regensburg, Univ. Regensburg); PubMed 28611652 (cited by Institute of Human Genetics, Univ. Regensburg, Univ. Regensburg); PubMed 29114839 (cited by Institute of Human Genetics, Univ. Regensburg, Univ. Regensburg); PubMed 28492530 (cited by Institute of Human Genetics, Univ. Regensburg, Univ. Regensburg); PubMed 29765157 (cited by Institute of Human Genetics, Univ. Regensburg, Univ. Regensburg); PubMed 29769798 (cited by Institute of Human Genetics, Univ. Regensburg, Univ. Regensburg); PubMed 30156925 (cited by Institute of Human Genetics, Univ. Regensburg, Univ. Regensburg); PubMed 31589614 (cited by Institute of Human Genetics, Univ. Regensburg, Univ. Regensburg); PubMed 30609409 (cited by Institute of Human Genetics, Univ. Regensburg, Univ. Regensburg); PubMed 31814694 (cited by Institute of Human Genetics, Univ. Regensburg, Univ. Regensburg); PubMed 30924848 (cited by Institute of Human Genetics, Univ. Regensburg, Univ. Regensburg); PubMed 30718709 (cited by Institute of Human Genetics, Univ. Regensburg, Univ. Regensburg and Department of Clinical Genetics, Copenhagen University Hospital, Rigshospitalet); PubMed 31725702 (cited by Institute of Human Genetics, Univ. Regensburg, Univ. Regensburg); PubMed 31573552 (cited by Institute of Human Genetics, Univ. Regensburg, Univ. Regensburg); PubMed 32000842 (cited by Institute of Human Genetics, Univ. Regensburg, Univ. Regensburg); PubMed 32619608 (cited by Institute of Human Genetics, Univ. Regensburg, Univ. Regensburg); PubMed 32483926 (cited by Institute of Human Genetics, Univ. Regensburg, Univ. Regensburg); PubMed 31964843 (cited by Institute of Human Genetics, Univ. Regensburg, Univ. Regensburg); PubMed 31429209 (cited by Institute of Human Genetics, Univ. Regensburg, Univ. Regensburg); PubMed 31980526 (cited by Institute of Human Genetics, Univ. Regensburg, Univ. Regensburg); PubMed 32307445 (cited by Institute of Human Genetics, Univ. Regensburg, Univ. Regensburg); PubMed 33090715 (cited by Institute of Human Genetics, Univ. Regensburg, Univ. Regensburg); PubMed 32845068 (cited by Institute of Human Genetics, Univ. Regensburg, Univ. Regensburg); PubMed 33302505 (cited by Institute of Human Genetics, Univ. Regensburg, Univ. Regensburg); PubMed 32783370 (cited by Institute of Human Genetics, Univ. Regensburg, Univ. Regensburg); PubMed 32036094 (cited by Institute of Human Genetics, Univ. Regensburg, Univ. Regensburg); PubMed 32815999 (cited by Institute of Human Genetics, Univ. Regensburg, Univ. Regensburg); PubMed 31456290 (cited by Institute of Human Genetics, Univ. Regensburg, Univ. Regensburg); PubMed 32581362 (cited by Institute of Human Genetics, Univ. Regensburg, Univ. Regensburg); PubMed 32531858 (cited by Institute of Human Genetics, Univ. Regensburg, Univ. Regensburg); PubMed 31816670 (cited by Institute of Human Genetics, Univ. Regensburg, Univ. Regensburg); PubMed 32037395 (cited by Institute of Human Genetics, Univ. Regensburg, Univ. Regensburg); PubMed 32141364 (cited by Institute of Human Genetics, Univ. Regensburg, Univ. Regensburg); PubMed 33706644 (cited by Institute of Human Genetics, Univ. Regensburg, Univ. Regensburg); PubMed 34315337 (cited by Institute of Human Genetics, Univ. Regensburg, Univ. Regensburg); PubMed 34327195 (cited by Institute of Human Genetics, Univ. Regensburg, Univ. Regensburg); PubMed 34946930 (cited by Institute of Human Genetics, Univ. Regensburg, Univ. Regensburg); PubMed 34426522 (cited by Institute of Human Genetics, Univ. Regensburg, Univ. Regensburg); PubMed 34008892 (cited by Institute of Human Genetics, Univ. Regensburg, Univ. Regensburg and Laboratory of Medical Genetics, National & Kapodistrian University of Athens); PubMed 33988224 (cited by Institute of Human Genetics, Univ. Regensburg, Univ. Regensburg); PubMed 33749171 (cited by Institute of Human Genetics, Univ. Regensburg, Univ. Regensburg); PubMed 34758253 (cited by Institute of Human Genetics, Univ. Regensburg, Univ. Regensburg); PubMed 33301772 (cited by Institute of Human Genetics, Univ. Regensburg, Univ. Regensburg); PubMed 35194496 (cited by Institute of Human Genetics, Univ. Regensburg, Univ. Regensburg); PubMed 35119454 (cited by Institute of Human Genetics, Univ. Regensburg, Univ. Regensburg); PubMed 35260635 (cited by Institute of Human Genetics, Univ. Regensburg, Univ. Regensburg); PubMed 36460718 (cited by Institute of Human Genetics, Univ. Regensburg, Univ. Regensburg); PubMed 35836572 (cited by Institute of Human Genetics, Univ. Regensburg, Univ. Regensburg); PubMed 35076026 (cited by Institute of Human Genetics, Univ. Regensburg, Univ. Regensburg); PubMed 35456422 (cited by Institute of Human Genetics, Univ. Regensburg, Univ. Regensburg); PubMed 36672815 (cited by Institute of Human Genetics, Univ. Regensburg, Univ. Regensburg); PubMed 31522899 (cited by Victorian Clinical Genetics Services, Murdoch Childrens Research Institute); PubMed 12037008 (cited by Johns Hopkins Genomics, Johns Hopkins University); PubMed 12796258 (cited by Johns Hopkins Genomics, Johns Hopkins University); PubMed 22312191 (cited by Laboratory for Molecular Medicine, Mass General Brigham Personalized Medicine and Illumina Laboratory Services, Illumina); PubMed 33223529 (cited by Hadassah Hebrew University Medical Center); PubMed 18285826 (cited by Illumina Laboratory Services, Illumina and OMIM); PubMed 25712131 (cited by Eurofins Ntd Llc (ga)); PubMed 92952680 (cited by Division of Human Genetics, Children's Hospital of Philadelphia); PubMed 28041643 (cited by NIHR Bioresource Rare Diseases, University of Cambridge); PubMed 42456143 (cited by OMIM).